The following is an entry in ClinVar:

NM_024854.5(PYROXD1):c.866T>C (p.Val289Ala)

Gene: PYROXD1 (pyridine nucleotide-disulphide oxidoreductase domain 1; plus strand). Cytogenetic location: 12p12.1.
Variant type: single nucleotide variant.
Coding change: c.866T>C on transcript NM_024854.5 (MANE Select); coding-DNA position 866, T replaced by C.
Protein change: p.Val289Ala; replaces valine 289 with alanine.
Molecular consequence: missense variant.
Genome position (GRCh38, 1-based): chr12:21,461,140, T>C. VCF-style: chr12-21461140-T-C. GRCh37 (hg19) VCF-style: chr12-21614074-T-C.
Other names: c.653T>C, p.Val218Ala (NM_001350912.2); c.89T>C, p.Val30Ala (NM_001350913.2); short protein forms V289A, V218A, V30A.
Identifiers: ClinVar variation 2180452 (VCV002180452.1), dbSNP rs765945120, ClinGen allele CA6478351.

ClinVar aggregate classification (germline): Uncertain significance (1 of 4 stars; one submission).

Allele frequency attached by ClinVar (database versions not stated): gnomAD 0.00001; gnomAD exomes 0.00001; TOPMed 0.00001; ExAC 0.00002.
gnomAD v4.1: 15 of 1,548,672 alleles (0.00097%); highest among the groups gnomAD compares: Non-Finnish European, 0.0012%; no homozygotes.

Submission:

Labcorp Genetics (formerly Invitae), Labcorp
Classification: Uncertain significance. Last evaluated: 2022-08-20. Review status: criteria provided, single submitter. Criteria: Invitae Variant Classification Sherloc (09022015). Collection method: clinical testing. Allele origin: germline.
Comment: This sequence change replaces valine, which is neutral and non-polar, with alanine, which is neutral and non-polar, at codon 289 of the PYROXD1 protein (p.Val289Ala). This variant is present in population databases (rs765945120, gnomAD 0.003%). This variant has not been reported in the literature in individuals affected with PYROXD1-related conditions. Algorithms developed to predict the effect of missense changes on protein structure and function output the following: SIFT: "Tolerated"; PolyPhen-2: "Benign"; Align-GVGD: "Class C0". The alanine amino acid residue is found in multiple mammalian species, which suggests that this missense change does not adversely affect protein function. In summary, the available evidence is currently insufficient to determine the role of this variant in disease. Therefore, it has been classified as a Variant of Uncertain Significance.